The following is an entry in ClinVar:

ClinVar aggregate classification (germline): Pathogenic (1 of 4 stars; one submission).

Submission:

CeGaT Center for Human Genetics Tuebingen
Classification: Pathogenic. Last evaluated: 2025-01-01. Review status: criteria provided, single submitter. Criteria: CeGaT Center For Human Genetics Tuebingen Variant Classification Criteria Version 2. Collection method: clinical testing. Allele origin: germline. Affected: yes. Observed: 1 variant allele.
Comment: FANCM: PVS1, PM2

NM_020937.4(FANCM):c.5707G>T (p.Glu1903Ter)

Gene: FANCM (FA complementation group M; plus strand). Cytogenetic location: 14q21.2.
Variant type: single nucleotide variant.
Coding change: c.5707G>T on transcript NM_020937.4 (MANE Select); coding-DNA position 5707, G replaced by T.
Protein change: p.Glu1903Ter; replaces glutamic acid 1903 with a stop codon.
Molecular consequence: nonsense.
Genome position (GRCh38, 1-based): chr14:45,196,538, G>T. VCF-style: chr14-45196538-G-T. GRCh37 (hg19) VCF-style: chr14-45665741-G-T.
Other names: c.5629G>T, p.Glu1877Ter (NM_001308133.2); short protein forms E1877*, E1903*.
Identifiers: ClinVar variation 3771815 (VCV003771815.13).
Genomic context (GRCh38, chr14:45,196,538, plus strand): 5'-CAGATCCAGCACCTGCAGAGTATGTTTGAAAGAATATGTGTGATTGTGGAAAAGGACAGA[G>T]AAAAAACAGGTTTGTATTTTTAAATATCTTTGTTTATAAGACTGTAAAGGAACTTTACGG-3'